The following is an entry in ClinVar:

ClinVar aggregate classification (germline): Uncertain significance (1 of 4 stars; one submission).

gnomAD v4.1: 1 of 1,613,668 alleles (0.000062%); highest among the groups gnomAD compares: African/African-American, 0.0013%; no homozygotes.

Submission:

Labcorp Genetics (formerly Invitae), Labcorp
Classification: Uncertain significance. Last evaluated: 2025-08-07. Review status: criteria provided, single submitter. Criteria: Invitae Variant Classification Sherloc (09022015). Collection method: clinical testing. Allele origin: germline.
Comment: This sequence change replaces proline, which is neutral and non-polar, with leucine, which is neutral and non-polar, at codon 3616 of the PCLO protein (p.Pro3616Leu). This variant is present in population databases (no rsID available, gnomAD 0.007%). This variant has not been reported in the literature in individuals affected with PCLO-related conditions. Experimental studies and prediction algorithms are not available or were not evaluated, and the functional significance of this variant is currently unknown. In summary, the available evidence is currently insufficient to determine the role of this variant in disease. Therefore, it has been classified as a Variant of Uncertain Significance.

NM_033026.6(PCLO):c.10847C>T (p.Pro3616Leu)

Gene: PCLO (piccolo presynaptic cytomatrix protein; minus strand). Cytogenetic location: 7q21.11.
Variant type: single nucleotide variant.
Coding change: c.10847C>T on transcript NM_033026.6 (MANE Select); coding-DNA position 10847, C replaced by T.
Protein change: p.Pro3616Leu; replaces proline 3616 with leucine.
Molecular consequence: missense variant.
Genome position (GRCh38, 1-based): chr7:82,949,741, G>A on the plus strand (C>T on the coding strand, the complement: PCLO is on the minus strand). VCF-style: chr7-82949741-G-A. GRCh37 (hg19) VCF-style: chr7-82579057-G-A.
Other names: c.10847C>T, p.Pro3616Leu (NM_014510.3); short protein forms P3616L.
Identifiers: ClinVar variation 4703230 (VCV004703230.1).